The following is an entry in ClinVar:

ClinVar aggregate classification (germline): Uncertain significance (1 of 4 stars; one submission).

gnomAD v4.1: 10 of 1,613,516 alleles (0.00062%); highest among the groups gnomAD compares: South Asian, 0.0077%; no homozygotes.

Submission:

Labcorp Genetics (formerly Invitae), Labcorp
Classification: Uncertain significance. Last evaluated: 2024-02-17. Review status: criteria provided, single submitter. Criteria: Invitae Variant Classification Sherloc (09022015). Collection method: clinical testing. Allele origin: germline.
Comment: This sequence change replaces valine, which is neutral and non-polar, with phenylalanine, which is neutral and non-polar, at codon 678 of the CDH2 protein (p.Val678Phe). The frequency data for this variant in the population databases is considered unreliable, as metrics indicate poor data quality at this position in the gnomAD database. This variant has not been reported in the literature in individuals affected with CDH2-related conditions. An algorithm developed to predict the effect of missense changes on protein structure and function (PolyPhen-2) suggests that this variant is likely to be disruptive. In summary, the available evidence is currently insufficient to determine the role of this variant in disease. Therefore, it has been classified as a Variant of Uncertain Significance.

NM_001792.5(CDH2):c.2032G>T (p.Val678Phe)

Gene: CDH2 (cadherin 2; minus strand). Cytogenetic location: 18q12.1.
Variant type: single nucleotide variant.
Coding change: c.2032G>T on transcript NM_001792.5 (MANE Select); coding-DNA position 2032, G replaced by T.
Protein change: p.Val678Phe; replaces valine 678 with phenylalanine.
Molecular consequence: missense variant.
Genome position (GRCh38, 1-based): chr18:27,985,177, C>A on the plus strand (G>T on the coding strand, the complement: CDH2 is on the minus strand). VCF-style: chr18-27985177-C-A. GRCh37 (hg19) VCF-style: chr18-25565141-C-A.
Other names: c.1939G>T, p.Val647Phe (NM_001308176.2); short protein forms V647F, V678F.
Identifiers: ClinVar variation 3700365 (VCV003700365.2).